The following is an entry in ClinVar:

NM_001283009.2(RTEL1):c.805C>T (p.Pro269Ser)

Genes: RTEL1 (regulator of telomere elongation helicase 1; plus strand), RTEL1-TNFRSF6B (RTEL1-TNFRSF6B readthrough (NMD candidate); plus strand). Cytogenetic location: 20q13.33.
Variant type: single nucleotide variant.
Coding change: c.805C>T on transcript NM_001283009.2 (MANE Select); coding-DNA position 805, C replaced by T.
Protein change: p.Pro269Ser; replaces proline 269 with serine.
Molecular consequence: missense variant. On other transcripts: non-coding transcript variant (1).
Genome position (GRCh38, 1-based): chr20:63,673,979, C>T. VCF-style: chr20-63673979-C-T. GRCh37 (hg19) VCF-style: chr20-62305332-C-T.
Other names: c.136C>T, p.Pro46Ser (NM_001283010.1); c.805C>T, p.Pro269Ser (NM_016434.4); c.877C>T, p.Pro293Ser (NM_032957.5); short protein forms P293S, P269S, P46S.
Identifiers: ClinVar variation 5028464 (VCV005028464.1).

ClinVar aggregate classification (germline): Uncertain significance (1 of 4 stars; one submission).

Conditions:
Inborn genetic diseases. Identifiers: MedGen C0950123, MeSH D030342.

Submission:

Ambry Genetics
Classification: Uncertain significance for Inborn genetic diseases. Last evaluated: 2026-06-21. Review status: criteria provided, single submitter. Criteria: Ambry Variant Classification Scheme 2023. Collection method: clinical testing. Allele origin: germline.
Comment: The p.P269S variant (also known as c.805C>T), located in coding exon 9 of the RTEL1 gene, results from a C to T substitution at nucleotide position 805. The proline at codon 269 is replaced by serine, an amino acid with similar properties. This amino acid position is conserved. In addition, this alteration is predicted to be tolerated by in silico analysis. Based on the available evidence, the clinical significance of this variant remains unclear.